The following is an entry in ClinVar:

ClinVar aggregate classification (germline): Uncertain significance (1 of 4 stars; one submission).

Conditions:
Immunodeficiency 104. Also called: SCID, AUTOSOMAL RECESSIVE, T CELL-NEGATIVE, B CELL-POSITIVE, NK CELL-POSITIVE; Severe Combined Immune Deficiency, Autosomal Recessive, TCell -Negative, B Cell-Positive, NK Cell-Positive, IL7R-Related; Severe combined immunodeficiency, autosomal recessive, T cell-negative, B cell-positive, NK cell-positive; IMMUNODEFICIENCY 104, SEVERE COMBINED. Identifiers: MedGen C5676890, MONDO:0012163, OMIM 608971.

Submission:

Labcorp Genetics (formerly Invitae), Labcorp
Classification: Uncertain significance for Immunodeficiency 104. Last evaluated: 2022-11-15. Review status: criteria provided, single submitter. Criteria: Invitae Variant Classification Sherloc (09022015). Collection method: clinical testing. Allele origin: germline.
Comment: ClinVar contains an entry for this variant (Variation ID: 1017396). This variant has not been reported in the literature in individuals affected with PTPRC-related conditions. This variant is not present in population databases (gnomAD no frequency). This sequence change replaces histidine, which is basic and polar, with arginine, which is basic and polar, at codon 174 of the PTPRC protein (p.His174Arg). Algorithms developed to predict the effect of missense changes on protein structure and function output the following: SIFT: "Tolerated"; PolyPhen-2: "Benign"; Align-GVGD: "Class C0". The arginine amino acid residue is found in multiple mammalian species, which suggests that this missense change does not adversely affect protein function. In summary, the available evidence is currently insufficient to determine the role of this variant in disease. Therefore, it has been classified as a Variant of Uncertain Significance.

NM_002838.5(PTPRC):c.521A>G (p.His174Arg)

Gene: PTPRC (protein tyrosine phosphatase receptor type C; plus strand). Cytogenetic location: 1q32.1.
Variant type: single nucleotide variant.
Coding change: c.521A>G on transcript NM_002838.5 (MANE Select); coding-DNA position 521, A replaced by G.
Protein change: p.His174Arg; replaces histidine 174 with arginine.
Molecular consequence: missense variant. On other transcripts: intron variant (1).
Genome position (GRCh38, 1-based): chr1:198,702,468, A>G. VCF-style: chr1-198702468-A-G. GRCh37 (hg19) VCF-style: chr1-198671597-A-G.
Other names: c.101-830A>G (NM_080921.4); short protein forms H174R.
Identifiers: ClinVar variation 1017396 (VCV001017396.9), dbSNP rs1666510866, ClinGen allele CA344097578.